The following is an entry in ClinVar:

ClinVar aggregate classification (germline): Uncertain significance (1 of 4 stars; one submission).

Submission:

Labcorp Genetics (formerly Invitae), Labcorp
Classification: Uncertain significance. Last evaluated: 2023-04-05. Review status: criteria provided, single submitter. Criteria: Invitae Variant Classification Sherloc (09022015). Collection method: clinical testing. Allele origin: germline.
Comment: In summary, the available evidence is currently insufficient to determine the role of this variant in disease. Therefore, it has been classified as a Variant of Uncertain Significance. Advanced modeling of protein sequence and biophysical properties (such as structural, functional, and spatial information, amino acid conservation, physicochemical variation, residue mobility, and thermodynamic stability) has been performed at Invitae for this missense variant, however the output from this modeling did not meet the statistical confidence thresholds required to predict the impact of this variant on RP2 protein function. ClinVar contains an entry for this variant (Variation ID: 1478828). This variant has not been reported in the literature in individuals affected with RP2-related conditions. This sequence change replaces glycine, which is neutral and non-polar, with arginine, which is basic and polar, at codon 94 of the RP2 protein (p.Gly94Arg). This variant is not present in population databases (gnomAD no frequency).

NM_006915.3(RP2):c.280G>C (p.Gly94Arg)

Gene: RP2 (RP2 activator of ARL3 GTPase; plus strand). Cytogenetic location: Xp11.3.
Variant type: single nucleotide variant.
Coding change: c.280G>C on transcript NM_006915.3 (MANE Select); coding-DNA position 280, G replaced by C.
Protein change: p.Gly94Arg; replaces glycine 94 with arginine.
Molecular consequence: missense variant.
Genome position (GRCh38, 1-based): chrX:46,853,653, G>C. VCF-style: chrX-46853653-G-C. GRCh37 (hg19) VCF-style: chrX-46713088-G-C.
Other names: short protein forms G94R.
Identifiers: ClinVar variation 1478828 (VCV001478828.8), dbSNP rs2147081248, ClinGen allele CA413039184.